The following is an entry in ClinVar:

ClinVar aggregate classification (germline): Uncertain significance (1 of 4 stars; one submission).

Conditions:
Neuropathy, hereditary sensory, type 1F. Also called: Hereditary sensory neuropathy type IF; HSN IF. Identifiers: Orphanet 36386, MedGen C3810194, MONDO:0014286, OMIM 615632.

Submission:

Labcorp Genetics (formerly Invitae), Labcorp
Classification: Uncertain significance for Neuropathy, hereditary sensory, type 1F. Last evaluated: 2017-02-16. Review status: criteria provided, single submitter. Criteria: Invitae Variant Classification Sherloc (09022015). Collection method: clinical testing. Allele origin: germline.
Comment: In summary, this is a novel deletion with uncertain impact on protein function. It has been classified as a Variant of Uncertain Significance. Experimental studies are not available for this copy number variant, and the functional significance of the deleted exon is currently unknown. This variant has not been reported in the literature in individuals with a ATL3-related disease. This variant is a gross deletion of the genomic region encompassing exon 13 of the ATL3 gene. The 5' boundary is likely confined to intron 12. The 3' end of this event is unknown as it extends through the termination codon beyond the assayed region for this gene and may encompass additional genes. While this deletion is not anticipated to result in nonsense mediated decay, it is expected to create a truncated protein product or disrupt mRNA translation.

NC_000011.10:g.(?_63629299)_(63629425_?)del

Genes: ATL3 (atlastin GTPase 3; minus strand), LNCROPM (lncRNA regulator of PLAAT3 mediated phospholipid metabolism; plus strand). Cytogenetic location: 11q13.1.
Variant type: Deletion.
Identifiers: ClinVar variation 474831 (VCV000474831.8).